The following is an entry in ClinVar:

ClinVar aggregate classification (germline): Likely pathogenic (1 of 4 stars; one submission).

Conditions:
DPAGT1-congenital disorder of glycosylation. Also called: DPAGT1-CDG; CONGENITAL DISORDER OF GLYCOSYLATION, TYPE Ij; CDG Ij. Identifiers: Orphanet 86309, MedGen C2931004, MONDO:0011964, OMIM 608093.
Congenital myasthenic syndrome 13 (CMS13). Also called: Myasthenic syndrome, congenital, 13, with tubular aggregates; Myasthenic syndrome, congenital, with tubular aggregates 2. Identifiers: Orphanet 353327, Orphanet 590, MedGen C3553645, MONDO:0013883, OMIM 614750.

Allele frequency attached by ClinVar (database versions not stated): gnomAD exomes below 0.00001.
gnomAD v4.1: 2 of 1,614,198 alleles (0.00012%); highest among the groups gnomAD compares: Non-Finnish European, 0.00017%; no homozygotes.

Submission:

Labcorp Genetics (formerly Invitae), Labcorp
Classification: Likely pathogenic for Congenital myasthenic syndrome 13; DPAGT1-congenital disorder of glycosylation. Last evaluated: 2024-01-10. Review status: criteria provided, single submitter. Criteria: Invitae Variant Classification Sherloc (09022015). Collection method: clinical testing. Allele origin: germline.
Comment: This sequence change affects a donor splice site in intron 7 of the DPAGT1 gene. It is expected to disrupt RNA splicing. Variants that disrupt the donor or acceptor splice site typically lead to a loss of protein function (PMID: 16199547), and loss-of-function variants in DPAGT1 are known to be pathogenic (PMID: 22742743). This variant is not present in population databases (gnomAD no frequency). This variant has not been reported in the literature in individuals affected with DPAGT1-related conditions. Algorithms developed to predict the effect of sequence changes on RNA splicing suggest that this variant may disrupt the consensus splice site. In summary, the currently available evidence indicates that the variant is pathogenic, but additional data are needed to prove that conclusively. Therefore, this variant has been classified as Likely Pathogenic.

Literature cited by the submitters: PubMed 16199547; PubMed 22742743.

NM_001382.4(DPAGT1):c.1005+1G>A

Gene: DPAGT1 (dolichyl-phosphate N-acetylglucosaminephosphotransferase 1; minus strand). Cytogenetic location: 11q23.3.
Variant type: single nucleotide variant.
Coding change: c.1005+1G>A on transcript NM_001382.4 (MANE Select); the canonical splice donor site of the intron after coding-DNA position 1005, G replaced by A.
Molecular consequence: splice donor variant.
Genome position (GRCh38, 1-based): chr11:119,097,463, C>T on the plus strand (G>A on the coding strand, the complement: DPAGT1 is on the minus strand). VCF-style: chr11-119097463-C-T. GRCh37 (hg19) VCF-style: chr11-118968173-C-T.
Identifiers: ClinVar variation 2954181 (VCV002954181.3), dbSNP rs2497501143, ClinGen allele CA382909338.